The following is an entry in ClinVar:

ClinVar aggregate classification (germline): Uncertain significance (1 of 4 stars; one submission).

Submission:

GeneDx
Classification: Uncertain significance. Last evaluated: 2023-02-13. Review status: criteria provided, single submitter. Criteria: GeneDx Variant Classification Process June 2021. Collection method: clinical testing. Allele origin: germline. Affected: yes.
Comment: Not observed at significant frequency in large population cohorts (gnomAD); In silico analysis supports that this missense variant has a deleterious effect on protein structure/function; Has not been previously published as pathogenic or benign to our knowledge

NM_014423.4(AFF4):c.908A>C (p.Gln303Pro)

Gene: AFF4 (ALF transcription elongation factor 4; minus strand). Cytogenetic location: 5q31.1.
Variant type: single nucleotide variant.
Coding change: c.908A>C on transcript NM_014423.4 (MANE Select); coding-DNA position 908, A replaced by C.
Protein change: p.Gln303Pro; replaces glutamine 303 with proline.
Molecular consequence: missense variant.
Genome position (GRCh38, 1-based): chr5:132,934,157, T>G on the plus strand (A>C on the coding strand, the complement: AFF4 is on the minus strand). VCF-style: chr5-132934157-T-G. GRCh37 (hg19) VCF-style: chr5-132269849-T-G.
Other names: short protein forms Q303P.
Identifiers: ClinVar variation 2575629 (VCV002575629.1), dbSNP rs2532574461, ClinGen allele CA360957144.